The following is an entry in ClinVar:

NM_006084.5(IRF9):c.8C>T (p.Ser3Leu)

Gene: IRF9 (interferon regulatory factor 9; plus strand). Cytogenetic location: 14q12.
Variant type: single nucleotide variant.
Coding change: c.8C>T on transcript NM_006084.5 (MANE Select); coding-DNA position 8, C replaced by T.
Protein change: p.Ser3Leu; replaces serine 3 with leucine.
Molecular consequence: missense variant.
Genome position (GRCh38, 1-based): chr14:24,162,152, C>T. VCF-style: chr14-24162152-C-T. GRCh37 (hg19) VCF-style: chr14-24631361-C-T.
Other names: c.8C>T, p.Ser3Leu (NM_001385400.1, NM_001385401.1, NM_001385402.1); short protein forms S3L.
Identifiers: ClinVar variation 1922460 (VCV001922460.6), dbSNP rs367862499, ClinGen allele CA7126324.
Genomic context (GRCh38, chr14:24,162,152, plus strand): 5'-GTTCCCTCCCAAAGTGTCAGTTCTGATGCATCCTGCTCCTATTATCCCCCAGGATGGCAT[C>T]AGGCAGGGCACGCTGCACCCGAAAACTCCGGAACTGGGTGGTGGAGCAAGTGGAGAGTGG-3'
Protein context (NP_006075.3, residues 1-13): MA[Ser3Leu]GRARCTRKLR

ClinVar aggregate classification (germline): Uncertain significance. Review status: criteria provided, multiple submitters, no conflicts (2 of 4 stars). 2 submissions from 2 submitters: Uncertain significance (2). Last evaluated 2023-12-21.

Allele frequency attached by ClinVar (database versions not stated): TOPMed 0.00002; gnomAD 0.00004; ExAC 0.00005; ESP Exome Variant Server 0.00008; gnomAD exomes 0.00009.
gnomAD v4.1: 131 of 1,613,680 alleles (0.0081%); highest among the groups gnomAD compares: Non-Finnish European, 0.011%; no homozygotes.

Submissions (2):

Labcorp Genetics (formerly Invitae), Labcorp
Classification: Uncertain significance. Last evaluated: 2023-12-21. Review status: criteria provided, single submitter. Criteria: Invitae Variant Classification Sherloc (09022015). Collection method: clinical testing. Allele origin: germline.
Comment: This sequence change replaces serine, which is neutral and polar, with leucine, which is neutral and non-polar, at codon 3 of the IRF9 protein (p.Ser3Leu). This variant is present in population databases (rs367862499, gnomAD 0.007%). This variant has not been reported in the literature in individuals affected with IRF9-related conditions. ClinVar contains an entry for this variant (Variation ID: 1922460). An algorithm developed to predict the effect of missense changes on protein structure and function (PolyPhen-2) suggests that this variant is likely to be tolerated. In summary, the available evidence is currently insufficient to determine the role of this variant in disease. Therefore, it has been classified as a Variant of Uncertain Significance.

Ambry Genetics
Classification: Uncertain significance. Last evaluated: 2021-08-23. Review status: criteria provided, single submitter. Criteria: Ambry Variant Classification Scheme 2023. Collection method: clinical testing. Allele origin: germline.